The following is an entry in ClinVar:

ClinVar aggregate classification (germline): Pathogenic. Review status: reviewed by expert panel (3 of 4 stars). 4 submissions from 4 submitters: Pathogenic (1). 3 of the submissions do not count toward it. Last evaluated 2020-02-14.

Conditions:
Glycogen storage disease, type II (IOPD). Also called: Glycogen storage disease type 2; Acid maltase deficiency disease; Aglucosidase alfa; Deficiency of alpha-glucosidase; Deficiency of lysosomal alpha-glucosidase; CARDIOMEGALIA GLYCOGENICA DIFFUSA. Identifiers: Orphanet 365, MedGen C0017921, MONDO:0009290, OMIM 232300.

Submissions (4):

ClinGen Lysosomal Storage Disorder Variant Curation Expert Panel
Classification: Pathogenic for Glycogen storage disease, type II. Last evaluated: 2020-02-14. Review status: reviewed by expert panel. Criteria: ClinGen LSD ACMG Specifications v1. Collection method: curation. Allele origin: germline. Inheritance: Autosomal recessive inheritance.
Comment: This variant, c.2188G>T (p.Glu730Ter), is a nonsense variant that is predicted to result in nonsense-mediated decay and lack of gene product. This is supported by functional studies in HEK293T cells and COS-1 cells, which showed undetectable GAA activity (PMIDs 12923862, 21972175). This variant is absent in gnomAD v2.1.1. It has been reported in 3 patients with Pompe disease who meet the ClinGen LSD VCEP specifications for PP4; two are compound heterozygous for the variant and c.-31-13T>G (PMIDs 28196920, 28951071; phase unknown) and one is compound heterozygous for the variant and a frameshift variant, c.829_851del, confirmed in trans (PMID 12923862), meeting PM3. There is a ClinVar entry for this variant (Variation ID: 495665, one star review status) with one submitter classifying the variant as pathogenic. In summary, this variant meets the criteria to be classified as pathogenic for Pompe Disease. GAA-specific ACMG/AMP criteria applied, as specified by the ClinGen LSD VCEP: PVS1, PM2, PM3, PP4.

Genomenon, Inc
Classification: Pathogenic for Glycogen storage disease, type II. Last evaluated: 2026-07-01. Review status: criteria provided, single submitter. Criteria: Genomenon Sequence Variant Interpretation Standards - Updated. Collection method: curation. Allele origin: germline. Affected: yes. Not counted in ClinVar's aggregate classification.
Comment: GAA p.Glu730Ter (c.2188G>T) is a nonsense variant that introduces a premature stop codon at amino acid position 730 and is predicted to result in a truncated or absent protein product. This variant has been observed in at least one proband with a GAA-related disorder (PMID:28951071;28196920;12923862). At least one functional study has demonstrated a substantial alteration in protein function relative to the wild-type (PMID:12923862). It is absent or not present at a significant frequency in gnomAD. In conclusion, we classify GAA p.Glu730Ter (c.2188G>T) as a pathogenic variant.

Labcorp Genetics (formerly Invitae), Labcorp
Classification: Pathogenic for Glycogen storage disease, type II. Last evaluated: 2025-10-02. Review status: criteria provided, single submitter. Criteria: Invitae Variant Classification Sherloc (09022015). Collection method: clinical testing. Allele origin: germline. Not counted in ClinVar's aggregate classification.
Comment: This sequence change creates a premature translational stop signal (p.Glu730*) in the GAA gene. It is expected to result in an absent or disrupted protein product. Loss-of-function variants in GAA are known to be pathogenic (PMID: 18425781, 22252923). This variant is not present in population databases (gnomAD no frequency). This premature translational stop signal has been observed in individual(s) with Pompe disease (PMID: 12923862, 28951071). ClinVar contains an entry for this variant (Variation ID: 495665). For these reasons, this variant has been classified as Pathogenic.

Women's Health and Genetics/Laboratory Corporation of America, LabCorp
Classification: Pathogenic for Glycogen storage disease, type II. Last evaluated: 2016-06-29. Review status: criteria provided, single submitter. Criteria: LabCorp Variant Classification Summary - May 2015. Collection method: clinical testing. Allele origin: germline. Not counted in ClinVar's aggregate classification.
Comment: Variant summary: The GAA c.2188G>T (p.Glu730X) variant results in a premature termination codon, predicted to cause a truncated or absent GAA protein due to nonsense mediated decay, which are commonly known mechanisms for disease. If this nonsense variant results in a protein product, this variant is not predicted to truncate any known functional domains of Lysosomal alpha-glucosidase. However, two independent functional assays in COS-1 and HEK 293 T cells have shown that the activity of Glu730X is not significantly different from mock control (Ebrahim_JIMD_2012 and Pittis_Am J Med Genet A_2003). Neither of these studies confirmed protein expression via Western Blotting, thus it is uncertain if this variant results in a stable protein that is inactive, nonsense mediated decay, or an unstable protein. At least one frameshift variant downstream of this position has been classified as pathogenic by our laboratory (e.g. p.Lys849fsX38), and one in silico tool predicts a damaging outcome for this variant. Additionally, this variant was absent in 39208 control chromosomes, and was cited in compound heterozygous state in one patient in the literature with Infantile Onset Pompe Disease. Taken together, this variant is classified as Pathogenic.

Literature cited by the submitters: PubMed 28951071 (cited by Genomenon, Inc and Labcorp Genetics (formerly Invitae), Labcorp); PubMed 28196920 (cited by Genomenon, Inc); PubMed 12923862 (cited by 3 submitters); PubMed 18425781 (cited by Labcorp Genetics (formerly Invitae), Labcorp); PubMed 22252923 (cited by Labcorp Genetics (formerly Invitae), Labcorp); PubMed 21972175 (cited by Women's Health and Genetics/Laboratory Corporation of America, LabCorp).

NM_000152.5(GAA):c.2188G>T (p.Glu730Ter)

Gene: GAA (alpha glucosidase; plus strand). Cytogenetic location: 17q25.3.
Variant type: single nucleotide variant.
Coding change: c.2188G>T on transcript NM_000152.5 (MANE Select); coding-DNA position 2188, G replaced by T.
Protein change: p.Glu730Ter; replaces glutamic acid 730 with a stop codon.
Molecular consequence: nonsense.
Genome position (GRCh38, 1-based): chr17:80,113,365, G>T. VCF-style: chr17-80113365-G-T. GRCh37 (hg19) VCF-style: chr17-78087164-G-T.
Other names: c.2188G>T (LRG_673t1); c.2188G>T, p.Glu730Ter (NM_001079803.3, NM_001079804.3); short protein forms E730*.
Identifiers: ClinVar variation 495665 (VCV000495665.13), dbSNP rs1555601828, ClinGen allele CA401370663.
Genomic context (GRCh38, chr17:80,113,365, plus strand): 5'-TACACACTGTTCCACCAGGCCCACGTCGCGGGGGAGACCGTGGCCCGGCCCCTCTTCCTG[G>T]AGTGAGTGACCTAGGCAGGGGCGGTGGCCCATGTGTGCCCTGGGGGAGGGGCACGTAACT-3'